The following is an entry in ClinVar:

NM_170784.3(MKKS):c.469A>G (p.Ile157Val)

Gene: MKKS (MKKS centrosomal shuttling protein; minus strand). Cytogenetic location: 20p12.2.
Variant type: single nucleotide variant.
Coding change: c.469A>G on transcript NM_170784.3 (MANE Select); coding-DNA position 469, A replaced by G.
Protein change: p.Ile157Val; replaces isoleucine 157 with valine.
Molecular consequence: missense variant.
Genome position (GRCh38, 1-based): chr20:10,413,046, T>C on the plus strand (A>G on the coding strand, the complement: MKKS is on the minus strand). VCF-style: chr20-10413046-T-C. GRCh37 (hg19) VCF-style: chr20-10393694-T-C.
Other names: c.469A>G, p.Ile157Val (NM_018848.3); short protein forms I157V.
Identifiers: ClinVar variation 2058526 (VCV002058526.1), dbSNP rs746633460, ClinGen allele CA9763675.

ClinVar aggregate classification (germline): Uncertain significance (1 of 4 stars; one submission).

Conditions:
Bardet-Biedl syndrome (BBS). Identifiers: Orphanet 110, MedGen C0752166, MONDO:0015229.
McKusick-Kaufman syndrome (MKKS). Also called: HYDROMETROCOLPOS SYNDROME; HYDROMETROCOLPOS, POSTAXIAL POLYDACTYLY, AND CONGENITAL HEART MALFORMATION. Identifiers: Orphanet 2473, MedGen C0948368, MONDO:0009367, OMIM 236700.

Allele frequency attached by ClinVar (database versions not stated): ExAC 0.00001; gnomAD exomes 0.00001.
gnomAD v4.1: 8 of 1,614,074 alleles (0.0005%); highest among the groups gnomAD compares: Non-Finnish European, 0.00068%; no homozygotes.

Submission:

Labcorp Genetics (formerly Invitae), Labcorp
Classification: Uncertain significance for McKusick-Kaufman syndrome; Bardet-Biedl syndrome. Last evaluated: 2022-08-23. Review status: criteria provided, single submitter. Criteria: Invitae Variant Classification Sherloc (09022015). Collection method: clinical testing. Allele origin: germline.
Comment: This sequence change replaces isoleucine, which is neutral and non-polar, with valine, which is neutral and non-polar, at codon 157 of the MKKS protein (p.Ile157Val). This variant is present in population databases (rs746633460, gnomAD 0.002%). This variant has not been reported in the literature in individuals affected with MKKS-related conditions. Algorithms developed to predict the effect of missense changes on protein structure and function output the following: SIFT: "Deleterious"; PolyPhen-2: "Benign"; Align-GVGD: "Class C0". The valine amino acid residue is found in multiple mammalian species, which suggests that this missense change does not adversely affect protein function. In summary, the available evidence is currently insufficient to determine the role of this variant in disease. Therefore, it has been classified as a Variant of Uncertain Significance.